The following is an entry in ClinVar:

NM_001099922.3(ALG13):c.2248-11C>T

Gene: ALG13 (ALG13 UDP-N-acetylglucosaminyltransferase subunit; plus strand). Cytogenetic location: Xq23.
Variant type: single nucleotide variant.
Coding change: c.2248-11C>T on transcript NM_001099922.3 (MANE Select); 11 bases into the intron before coding-DNA position 2248, C replaced by T.
Molecular consequence: intron variant.
Genome position (GRCh38, 1-based): chrX:111,728,174, C>T. VCF-style: chrX-111728174-C-T. GRCh37 (hg19) VCF-style: chrX-110971402-C-T.
Other names: c.1936-11C>T (NM_001257237.2, NM_001257234.2, NM_001257230.2); c.1762-11C>T (NM_001324293.1); c.2014-11C>T (NM_001257231.2); c.2248-11C>T (NM_001324292.2).
Identifiers: ClinVar variation 387582 (VCV000387582.4), dbSNP rs377064873, ClinGen allele CA10493847.

ClinVar aggregate classification (germline): Likely benign. Review status: criteria provided, multiple submitters, no conflicts (2 of 4 stars). 2 submissions from 2 submitters: Likely benign (2). Last evaluated 2025-12-01.

Conditions:
Developmental and epileptic encephalopathy, 36 (DEE36). Also called: Epileptic encephalopathy, early infantile, 36; ALG13-CDG; Congenital disorder of glycosylation, type Is. Identifiers: Orphanet 324422, MedGen C4317295, MONDO:0010472, OMIM 300884.

Allele frequency attached by ClinVar (database versions not stated): gnomAD exomes below 0.00001 and 0.00001; ExAC 0.00001; gnomAD 0.00002; TOPMed 0.00005; ESP Exome Variant Server 0.00012.

Submissions (2):

Labcorp Genetics (formerly Invitae), Labcorp
Classification: Likely benign for Developmental and epileptic encephalopathy, 36. Last evaluated: 2025-12-01. Review status: criteria provided, single submitter. Criteria: Invitae Variant Classification Sherloc (09022015). Collection method: clinical testing. Allele origin: germline.

GeneDx
Classification: Likely benign. Last evaluated: 2018-01-29. Review status: criteria provided, single submitter. Criteria: GeneDx Variant Classification (06012015). Collection method: clinical testing. Allele origin: germline. Affected: yes.
Comment: This variant is considered likely benign or benign based on one or more of the following criteria: it is a conservative change, it occurs at a poorly conserved position in the protein, it is predicted to be benign by multiple in silico algorithms, and/or has population frequency not consistent with disease.